The following is an entry in ClinVar:

NM_005918.4(MDH2):c.419T>C (p.Ile140Thr)

Gene: MDH2 (malate dehydrogenase 2; plus strand). Cytogenetic location: 7q11.23.
Variant type: single nucleotide variant.
Coding change: c.419T>C on transcript NM_005918.4 (MANE Select); coding-DNA position 419, T replaced by C.
Protein change: p.Ile140Thr; replaces isoleucine 140 with threonine.
Molecular consequence: missense variant.
Genome position (GRCh38, 1-based): chr7:76,058,068, T>C. VCF-style: chr7-76058068-T-C. GRCh37 (hg19) VCF-style: chr7-75687386-T-C.
Other names: c.419T>C, p.Ile140Thr (NM_001282403.2); c.98T>C, p.Ile33Thr (NM_001282404.2); short protein forms I140T, I33T.
Identifiers: ClinVar variation 1738625 (VCV001738625.2), dbSNP rs1797837952, ClinGen allele CA367764513.

ClinVar aggregate classification (germline): Uncertain significance (1 of 4 stars; one submission).

Conditions:
Inborn genetic diseases. Identifiers: MedGen C0950123, MeSH D030342.

Allele frequency attached by ClinVar (database versions not stated): gnomAD exomes below 0.00001; gnomAD 0.00001; TOPMed 0.00002.
gnomAD v4.1: 2 of 1,612,850 alleles (0.00012%); highest among the groups gnomAD compares: Middle Eastern, 0.016%; no homozygotes.

Submission:

Ambry Genetics
Classification: Uncertain significance for Inborn genetic diseases. Last evaluated: 2022-03-25. Review status: criteria provided, single submitter. Criteria: Ambry Variant Classification Scheme 2023. Collection method: clinical testing. Allele origin: germline.
Comment: The p.I140T variant (also known as c.419T>C), located in coding exon 4 of the MDH2 gene, results from a T to C substitution at nucleotide position 419. The isoleucine at codon 140 is replaced by threonine, an amino acid with similar properties. This amino acid position is conserved. In addition, this alteration is predicted to be deleterious by in silico analysis. Since supporting evidence is limited at this time, the clinical significance of this alteration remains unclear.